The following is an entry in ClinVar:

ClinVar aggregate classification (germline): Uncertain significance. Review status: criteria provided, multiple submitters, no conflicts (2 of 4 stars). 2 submissions from 2 submitters: Uncertain significance (2). Last evaluated 2022-04-08.

Conditions:
Glycine encephalopathy. Also called: Nonketotic hyperglycinemia; Non-ketotic hyperglycinemia. Identifiers: Orphanet 407, MedGen C0751748, MONDO:0011612, HP:0008288.

Allele frequency attached by ClinVar (database versions not stated): gnomAD 0.00001; ExAC 0.00059.

Submissions (2):

Labcorp Genetics (formerly Invitae), Labcorp
Classification: Uncertain significance for Glycine encephalopathy. Last evaluated: 2022-04-08. Review status: criteria provided, single submitter. Criteria: Invitae Variant Classification Sherloc (09022015). Collection method: clinical testing. Allele origin: germline.
Comment: This sequence change replaces serine, which is neutral and polar, with leucine, which is neutral and non-polar, at codon 50 of the GLDC protein (p.Ser50Leu). The frequency data for this variant in the population databases is considered unreliable, as metrics indicate poor data quality at this position in the gnomAD database. This variant has not been reported in the literature in individuals affected with GLDC-related conditions. ClinVar contains an entry for this variant (Variation ID: 1013035). Advanced modeling of protein sequence and biophysical properties (such as structural, functional, and spatial information, amino acid conservation, physicochemical variation, residue mobility, and thermodynamic stability) performed at Invitae indicates that this missense variant is not expected to disrupt GLDC protein function. In summary, the available evidence is currently insufficient to determine the role of this variant in disease. Therefore, it has been classified as a Variant of Uncertain Significance.

CeGaT Center for Human Genetics Tuebingen
Classification: Uncertain significance. Last evaluated: 2020-09-01. Review status: criteria provided, single submitter. Criteria: CeGaT Center For Human Genetics Tuebingen Variant Classification Criteria Version 2. Collection method: clinical testing. Allele origin: germline. Affected: yes. Observed: 1 variant allele.

NM_000170.3(GLDC):c.149C>T (p.Ser50Leu)

Gene: GLDC (glycine decarboxylase; minus strand). Cytogenetic location: 9p24.1.
Variant type: single nucleotide variant.
Coding change: c.149C>T on transcript NM_000170.3 (MANE Select); coding-DNA position 149, C replaced by T.
Protein change: p.Ser50Leu; replaces serine 50 with leucine.
Molecular consequence: missense variant.
Genome position (GRCh38, 1-based): chr9:6,645,351, G>A on the plus strand (C>T on the coding strand, the complement: GLDC is on the minus strand). VCF-style: chr9-6645351-G-A. GRCh37 (hg19) VCF-style: chr9-6645351-G-A.
Other names: short protein forms S50L.
Identifiers: ClinVar variation 1013035 (VCV001013035.40), dbSNP rs778725420, ClinGen allele CA4981286.